The following is an entry in ClinVar:

NM_001004334.4(GPR179):c.4550dup (p.Met1517fs)

Gene: GPR179 (G protein-coupled receptor 179; minus strand). Cytogenetic location: 17q12.
Variant type: Duplication.
Coding change: c.4550dup on transcript NM_001004334.4 (MANE Select); coding-DNA position 4550, one base duplicated (T; older notation c.4550dupT).
Protein change: p.Met1517fs; shifts the reading frame from methionine 1517.
Molecular consequence: frameshift variant.
Genome position (GRCh38, 1-based): chr17:38,329,019, A duplicated on the plus strand (T on the coding strand, the reverse complement: GPR179 is on the minus strand). VCF-style (leftmost placement, unchanged base first): chr17-38329018-C-CA. GRCh37 (hg19) VCF-style: chr17-36484901-C-CA.
Other names: c.4550dupT (NM_001004334.4); short protein forms M1517fs.
Identifiers: ClinVar variation 1333395 (VCV001333395.6), dbSNP rs756928373, ClinGen allele CA290104085.

ClinVar aggregate classification (germline): Conflicting classifications of pathogenicity. Review status: criteria provided, conflicting classifications (1 of 4 stars). 3 submissions from 3 submitters: Likely pathogenic (2); Uncertain significance (1). Last evaluated 2025-01-22.

Conditions:
Congenital stationary night blindness 1E. Also called: Night blindness, congenital stationary (complete), 1E, autosomal recessive. Identifiers: Orphanet 215, MedGen C3281215, MONDO:0013807, OMIM 614565.

Allele frequency attached by ClinVar (database versions not stated): TOPMed 0.00002; gnomAD 0.00003 and 0.00005; gnomAD exomes 0.00004 and 0.00007; ExAC 0.00007; ESP Exome Variant Server 0.00008.

Submissions (3):

First Genomix Gene Laboratory, Genetic Diagnostics Department
Classification: Likely pathogenic for Congenital stationary night blindness 1E. Last evaluated: 2025-01-22. Review status: criteria provided, single submitter. Criteria: ACMG Guidelines, 2015. Collection method: clinical testing. Allele origin: germline. Inheritance: Autosomal recessive inheritance. Affected: no. Observed: 1 variant allele.

Labcorp Genetics (formerly Invitae), Labcorp
Classification: Uncertain significance. Last evaluated: 2025-01-13. Review status: criteria provided, single submitter. Criteria: Invitae Variant Classification Sherloc (09022015). Collection method: clinical testing. Allele origin: germline.
Comment: This sequence change creates a premature translational stop signal (p.Met1517Ilefs*43) in the GPR179 gene. While this is not anticipated to result in nonsense mediated decay, it is expected to disrupt the last 851 amino acid(s) of the GPR179 protein. This variant is present in population databases (rs756928373, gnomAD 0.01%). This variant has not been reported in the literature in individuals affected with GPR179-related conditions. ClinVar contains an entry for this variant (Variation ID: 1333395). Experimental studies and prediction algorithms are not available or were not evaluated, and the functional significance of this variant is currently unknown. In summary, the available evidence is currently insufficient to determine the role of this variant in disease. Therefore, it has been classified as a Variant of Uncertain Significance.

3billion
Classification: Likely pathogenic for Congenital stationary night blindness 1E. Last evaluated: 2022-01-03. Review status: criteria provided, single submitter. Criteria: ACMG Guidelines, 2015. Collection method: clinical testing. Allele origin: germline. Affected: yes. Observed: 1 homozygote.
Comment: Frameshift: predicted to result in a loss or disruption of normal protein function through protein truncation. Multiple pathogenic variants are reported in the predicted truncated region (PVS1_S). It is observed at an extremely low frequency in the gnomAD v2.1.1 dataset (total allele frequency: 0.00007, PM2_M). Therefore, this variant is classified as likely pathogenic according to the recommendation of ACMG/AMP guideline.